The following is an entry in ClinVar:

ClinVar aggregate classification (germline): Uncertain significance. Review status: criteria provided, multiple submitters, no conflicts (2 of 4 stars). 2 submissions from 2 submitters: Uncertain significance (2). Last evaluated 2025-06-18.

Conditions:
Carney-Stratakis syndrome. Also called: PARAGANGLIOMA AND GASTROINTESTINAL STROMAL TUMOR. Identifiers: Orphanet 97286, MedGen C1847319, MONDO:0011740, OMIM 606864.
Pheochromocytoma. Also called: MAX-Related Hereditary Paraganglioma-Pheochromocytoma Syndrome. Identifiers: Orphanet 29072, MedGen C0031511, MONDO:0008233, OMIM 171300, HP:0002666.
Cowden syndrome 3 (CWS3). Identifiers: Orphanet 201, MedGen CN166604, MONDO:0014045.
Paragangliomas with sensorineural hearing loss. Identifiers: MedGen C1868633.
Hereditary pheochromocytoma and paraganglioma. Also called: Hereditary pheochromocytoma-paraganglioma; Hereditary Paraganglioma-Pheochromocytoma Syndromes; Hereditary paragangliomas and pheochromocytomas. Identifiers: Orphanet 29072, MedGen C4274332, MONDO:0017366.

Submissions (2):

Color Diagnostics, LLC DBA Color Health
Classification: Uncertain significance for Hereditary pheochromocytoma and paraganglioma. Last evaluated: 2025-06-18. Review status: criteria provided, single submitter. Criteria: ACMG Guidelines, 2015. Collection method: clinical testing. Allele origin: germline.
Comment: This variant causes a T to G nucleotide substitution at the -6 position of intron 2 of the SDHD gene. To our knowledge, functional studies have not been reported for this variant. This variant has not been reported in individuals affected with SDHD-related disorders in the literature. This variant has not been identified in the general population by the Genome Aggregation Database (gnomAD). The available evidence is insufficient to determine the role of this variant in disease conclusively. Therefore, this variant is classified as a Variant of Uncertain Significance.

Labcorp Genetics (formerly Invitae), Labcorp
Classification: Uncertain significance for Carney-Stratakis syndrome; Paragangliomas with sensorineural hearing loss; Pheochromocytoma; Cowden syndrome 3. Last evaluated: 2022-08-28. Review status: criteria provided, single submitter. Criteria: Invitae Variant Classification Sherloc (09022015). Collection method: clinical testing. Allele origin: germline.
Comment: Algorithms developed to predict the effect of sequence changes on RNA splicing suggest that this variant may disrupt the consensus splice site. ClinVar contains an entry for this variant (Variation ID: 1026388). This variant has not been reported in the literature in individuals affected with SDHD-related conditions. This variant is not present in population databases (gnomAD no frequency). This sequence change falls in intron 2 of the SDHD gene. It does not directly change the encoded amino acid sequence of the SDHD protein. In summary, the available evidence is currently insufficient to determine the role of this variant in disease. Therefore, it has been classified as a Variant of Uncertain Significance.

NM_003002.4(SDHD):c.170-6T>G

Gene: SDHD (succinate dehydrogenase complex subunit D; plus strand). Cytogenetic location: 11q23.1.
Variant type: single nucleotide variant.
Coding change: c.170-6T>G on transcript NM_003002.4 (MANE Select); 6 bases into the intron before coding-DNA position 170, T replaced by G.
Molecular consequence: intron variant.
Genome position (GRCh38, 1-based): chr11:112,088,861, T>G. VCF-style: chr11-112088861-T-G. GRCh37 (hg19) VCF-style: chr11-111959585-T-G.
Other names: c.170-6T>G (NM_001276506.2); c.169+888T>G (NM_001276503.2); c.53-6T>G (NM_001276504.2).
Identifiers: ClinVar variation 1026388 (VCV001026388.11), dbSNP rs753703004, ClinGen allele CA2000561859.